The following is an entry in ClinVar:

NM_020937.4(FANCM):c.5036A>G (p.Asn1679Ser)

Gene: FANCM (FA complementation group M; plus strand). Cytogenetic location: 14q21.2.
Variant type: single nucleotide variant.
Coding change: c.5036A>G on transcript NM_020937.4 (MANE Select); coding-DNA position 5036, A replaced by G.
Protein change: p.Asn1679Ser; replaces asparagine 1679 with serine.
Molecular consequence: missense variant.
Genome position (GRCh38, 1-based): chr14:45,189,058, A>G. VCF-style: chr14-45189058-A-G. GRCh37 (hg19) VCF-style: chr14-45658261-A-G.
Other names: c.4958A>G, p.Asn1653Ser (NM_001308133.2); short protein forms N1653S, N1679S.
Identifiers: ClinVar variation 3848544 (VCV003848544.1).

ClinVar aggregate classification (germline): Uncertain significance (1 of 4 stars; one submission).

Conditions:
Inborn genetic diseases. Identifiers: MedGen C0950123, MeSH D030342.

Submission:

Ambry Genetics
Classification: Uncertain significance for Inborn genetic diseases. Last evaluated: 2024-12-25. Review status: criteria provided, single submitter. Criteria: Ambry Variant Classification Scheme 2023. Collection method: clinical testing. Allele origin: germline.
Comment: The p.N1679S variant (also known as c.5036A>G), located in coding exon 20 of the FANCM gene, results from an A to G substitution at nucleotide position 5036. The asparagine at codon 1679 is replaced by serine, an amino acid with highly similar properties. This amino acid position is conserved. In addition, this alteration is predicted to be tolerated by in silico analysis. Based on the available evidence, the clinical significance of this variant remains unclear.